The following is an entry in ClinVar:

ClinVar aggregate classification (germline): Pathogenic (1 of 4 stars; one submission).

Conditions:
Renal carnitine transport defect (CDSP). Also called: Systemic primary carnitine deficiency disease; Primary carnitine deficiency; Carnitine transporter deficiency; Carnitine Deficiency, Systemic; CARNITINE DEFICIENCY, SYSTEMIC, DUE TO DEFECT IN RENAL REABSORPTION OF CARNITINE; CARNITINE TRANSPORTER, PLASMA-MEMBRANE, DEFICIENCY OF. Identifiers: Orphanet 158, MedGen C0342788, MONDO:0008919, OMIM 212140.

Allele frequency attached by ClinVar (database versions not stated): gnomAD exomes below 0.00001.

Submission:

Labcorp Genetics (formerly Invitae), Labcorp
Classification: Pathogenic for Renal carnitine transport defect. Last evaluated: 2019-09-01. Review status: criteria provided, single submitter. Criteria: Invitae Variant Classification Sherloc (09022015). Collection method: clinical testing. Allele origin: germline.
Comment: This sequence change creates a premature translational stop signal (p.Ile354Asnfs*11) in the SLC22A5 gene. It is expected to result in an absent or disrupted protein product. This variant is not present in population databases (ExAC no frequency). This variant has not been reported in the literature in individuals with SLC22A5-related conditions. Loss-of-function variants in SLC22A5 are known to be pathogenic (PMID: 9916797). For these reasons, this variant has been classified as Pathogenic.

Literature cited by the submitters: PubMed 9916797.

NM_003060.4(SLC22A5):c.1060dup (p.Ile354fs)

Gene: SLC22A5 (solute carrier family 22 member 5; plus strand). Cytogenetic location: 5q31.1.
Variant type: Duplication.
Coding change: c.1060dup on transcript NM_003060.4 (MANE Select); coding-DNA position 1060, one base duplicated (A; older notation c.1060dupA).
Protein change: p.Ile354fs; shifts the reading frame from isoleucine 354.
Molecular consequence: frameshift variant.
Genome position (GRCh38, 1-based): chr5:132,390,697, A duplicated. VCF-style (leftmost placement, unchanged base first): chr5-132390696-C-CA. GRCh37 (hg19) VCF-style: chr5-131726388-C-CA.
Other names: c.1132dup, p.Ile378fs (NM_001308122.2); short protein forms I378fs, I354fs.
Identifiers: ClinVar variation 959993 (VCV000959993.7), dbSNP rs1752666026, ClinGen allele CA1139655909.
Genomic context (GRCh38, chr5:132,390,696, plus strand): 5'-GTTGGGAAAGATGTGGATACTGCTTTTCCAGCTTTCTTCTGCACTCTGTTTCAGGATGAC[C>CA]ATATCAGTGGGCTATTTTGGGCTTTCGCTTGATACTCCTAACTTGCATGGGGACATCTTT-3'